The following is an entry in ClinVar:

ClinVar aggregate classification (germline): Uncertain significance (1 of 4 stars; one submission).

Conditions:
Hereditary cancer-predisposing syndrome. Also called: Tumor predisposition; Hereditary Cancer Syndrome; Neoplastic Syndromes, Hereditary; Hereditary neoplastic syndrome. Identifiers: Orphanet 140162, MedGen C0027672, MeSH D009386, MONDO:0015356.

Submission:

Molecular Diagnostics Laboratory, Catalan Institute of Oncology
Classification: Uncertain significance for Hereditary cancer-predisposing syndrome. Last evaluated: 2024-09-04. Review status: criteria provided, single submitter. Criteria: ClinGen ACMG Specifications ATM V1.1.0. Collection method: clinical testing. Allele origin: germline.
Comment: PM2_Supporting, BP4 c.1795C>A, located in exon 11 of the ATM gene, is predicted to result in the substitution of leucine by isoleucine at codon 599, p.(Leu599Ile). It is not present in the population database gnomAD v2.1.1, non-cancer dataset (PM2_supporting). The SpliceAI algorithm predicts no significant impact on splicing. The REVEL meta-predictor score for this variant (0.069) suggests that it does not affect the protein function (BP4). To our knowledge, neither relevant clinical data nor well-stablished functional studies have been reported for this variant. In addition, the variant is not present in the ClinVar nor the LOVD database. Based on currently available information, the variant c.1795C>A should be considered an uncertain significance variant.

NM_000051.4(ATM):c.1795C>A (p.Leu599Ile)

Gene: ATM (ATM serine/threonine kinase; plus strand). Cytogenetic location: 11q22.3.
Variant type: single nucleotide variant.
Coding change: c.1795C>A on transcript NM_000051.4 (MANE Select); coding-DNA position 1795, C replaced by A.
Protein change: p.Leu599Ile; replaces leucine 599 with isoleucine.
Molecular consequence: missense variant.
Genome position (GRCh38, 1-based): chr11:108,252,024, C>A. VCF-style: chr11-108252024-C-A. GRCh37 (hg19) VCF-style: chr11-108122751-C-A.
Other names: c.1795C>A, p.Leu599Ile (NM_001351834.2); short protein forms L599I.
Identifiers: ClinVar variation 3774418 (VCV003774418.1).